The following is an entry in ClinVar:

ClinVar aggregate classification (germline): Uncertain significance (1 of 4 stars; one submission).

Conditions:
Familial thoracic aortic aneurysm and aortic dissection (TAAD). Also called: Thoracic aortic aneurysms and dissections. Identifiers: Orphanet 91387, MedGen C4707243, MONDO:0019625.

Submission:

Ambry Genetics
Classification: Uncertain significance for Familial thoracic aortic aneurysm and aortic dissection. Last evaluated: 2025-01-19. Review status: criteria provided, single submitter. Criteria: Ambry Variant Classification Scheme 2023. Collection method: clinical testing. Allele origin: germline.
Comment: The p.N189Y variant (also known as c.565A>T), located in coding exon 3 of the PRKG1 gene, results from an A to T substitution at nucleotide position 565. The asparagine at codon 189 is replaced by tyrosine, an amino acid with dissimilar properties. This amino acid position is conserved. In addition, this alteration is predicted to be deleterious by in silico analysis. Based on the available evidence, the clinical significance of this variant remains unclear.

NM_006258.4(PRKG1):c.565A>T (p.Asn189Tyr)

Gene: PRKG1 (protein kinase cGMP-dependent 1; plus strand). Cytogenetic location: 10q21.1.
Variant type: single nucleotide variant.
Coding change: c.565A>T on transcript NM_006258.4 (MANE Select); coding-DNA position 565, A replaced by T.
Protein change: p.Asn189Tyr; replaces asparagine 189 with tyrosine.
Molecular consequence: missense variant.
Genome position (GRCh38, 1-based): chr10:51,467,809, A>T. VCF-style: chr10-51467809-A-T. GRCh37 (hg19) VCF-style: chr10-53227569-A-T.
Other names: c.520A>T, p.Asn174Tyr (NM_001098512.3); c.565A>T, p.Asn189Tyr (NM_001374782.1); short protein forms N189Y, N174Y.
Identifiers: ClinVar variation 3783391 (VCV003783391.1).